The following is an entry in ClinVar:

ClinVar aggregate classification (germline): Uncertain significance (1 of 4 stars; one submission).

gnomAD v4.1: 2 of 1,398,290 alleles (0.00014%); highest among the groups gnomAD compares: South Asian, 0.0012%; no homozygotes.

Submission:

GeneDx
Classification: Uncertain significance. Last evaluated: 2024-11-12. Review status: criteria provided, single submitter. Criteria: GeneDx Variant Classification Process June 2021. Collection method: clinical testing. Allele origin: germline. Affected: yes.
Comment: Not observed at significant frequency in large population cohorts (gnomAD); In silico analysis supports that this missense variant has a deleterious effect on protein structure/function; Has not been previously published as pathogenic or benign to our knowledge

NM_001142966.3(GREB1L):c.3941G>A (p.Arg1314Gln)

Gene: GREB1L (GREB1 like retinoic acid receptor coactivator; plus strand). Cytogenetic location: 18q11.2.
Variant type: single nucleotide variant.
Coding change: c.3941G>A on transcript NM_001142966.3 (MANE Select); coding-DNA position 3941, G replaced by A.
Protein change: p.Arg1314Gln; replaces arginine 1314 with glutamine.
Molecular consequence: missense variant.
Genome position (GRCh38, 1-based): chr18:21,500,278, G>A. VCF-style: chr18-21500278-G-A. GRCh37 (hg19) VCF-style: chr18-19080239-G-A.
Other names: c.4070G>A, p.Arg1357Gln (NM_001410867.1); c.3614G>A, p.Arg1205Gln (NM_001410868.1); short protein forms R1205Q, R1314Q, R1357Q.
Identifiers: ClinVar variation 3899595 (VCV003899595.1).